The following is an entry in ClinVar:

ClinVar aggregate classification (germline): Benign/Likely benign. Review status: criteria provided, multiple submitters, no conflicts (2 of 4 stars). 4 submissions from 4 submitters: Benign (1); Likely benign (2). 1 of the submissions does not count toward it. Last evaluated 2025-10-01.

Conditions:
MBTPS2-related disorder. Also called: MBTPS2-related condition.

Allele frequency attached by ClinVar (database versions not stated): gnomAD 0.00010 and 0.00015; TOPMed 0.00015; gnomAD exomes 0.00016 and 0.00030; ESP Exome Variant Server 0.00019; 1000 Genomes Project 30x 0.00042; 1000 Genomes Project 0.00053; ExAC 0.00066.
gnomAD v4.1: 188 of 1,193,147 alleles (0.016%); highest among the groups gnomAD compares: Middle Eastern, 0.14%; no homozygotes.

Submissions (4):

CeGaT Center for Human Genetics Tuebingen
Classification: Likely benign. Last evaluated: 2025-10-01. Review status: criteria provided, single submitter. Criteria: CeGaT Center For Human Genetics Tuebingen Variant Classification Criteria Version 2. Collection method: clinical testing. Allele origin: germline. Affected: yes. Observed: 6 variant alleles.
Comment: MBTPS2: BP4, BP7, BS2

Blueprint Genetics
Classification: Likely benign. Last evaluated: 2024-09-23. Review status: criteria provided, single submitter. Criteria: ACMG Guidelines, 2015. Collection method: clinical testing. Allele origin: germline.

Labcorp Genetics (formerly Invitae), Labcorp
Classification: Benign. Last evaluated: 2024-03-05. Review status: criteria provided, single submitter. Criteria: Invitae Variant Classification Sherloc (09022015). Collection method: clinical testing. Allele origin: germline.

PreventionGenetics, part of Exact Sciences
Classification: Likely benign for MBTPS2-related condition. Last evaluated: 2019-04-15. Review status: no assertion criteria provided. Collection method: clinical testing. Allele origin: germline. Not counted in ClinVar's aggregate classification.
Comment: This variant is classified as likely benign based on ACMG/AMP sequence variant interpretation guidelines (Richards et al. 2015 PMID: 25741868, with internal and published modifications).

NM_015884.4(MBTPS2):c.30G>C (p.Val10=)

Gene: MBTPS2 (membrane bound transcription factor peptidase, site 2; plus strand). Cytogenetic location: Xp22.12.
Variant type: single nucleotide variant.
Coding change: c.30G>C on transcript NM_015884.4 (MANE Select); coding-DNA position 30, G replaced by C.
Protein change: p.Val10=; no amino-acid change (valine 10 retained).
Molecular consequence: synonymous variant.
Genome position (GRCh38, 1-based): chrX:21,839,764, G>C. VCF-style: chrX-21839764-G-C. GRCh37 (hg19) VCF-style: chrX-21857882-G-C.
Identifiers: ClinVar variation 743385 (VCV000743385.44), dbSNP rs139020486, ClinGen allele CA10367273.
Genomic context (GRCh38, chrX:21,839,764, plus strand): 5'-TCGCCTTCCCTCCTCTGCCGCCGCTGCCGCCATGATTCCGGTGTCGCTGGTGGTGGTGGT[G>C]GTGGGTGGCTGGACTGTCGTCTACCTGACCGACTTGGTGCTGAAGGTGAGGGCCTTGGGC-3'
Protein context (NP_056968.1, residues 1-20): MIPVSLVVV[Val10=]VGGWTVVYLT